The following is an entry in ClinVar:

ClinVar aggregate classification (germline): Uncertain significance. Review status: criteria provided, multiple submitters, no conflicts (2 of 4 stars). 2 submissions from 2 submitters: Uncertain significance (2). Last evaluated 2023-04-27.

Conditions:
Inborn genetic diseases. Identifiers: MedGen C0950123, MeSH D030342.

Allele frequency attached by ClinVar (database versions not stated): TOPMed 0.00001; gnomAD exomes 0.00002.
gnomAD v4.1: 9 of 1,576,398 alleles (0.00057%); highest among the groups gnomAD compares: Non-Finnish European, 0.00077%; no homozygotes.

Submissions (2):

Ambry Genetics
Classification: Uncertain significance for Inborn genetic diseases. Last evaluated: 2023-04-27. Review status: criteria provided, single submitter. Criteria: Ambry Variant Classification Scheme 2023. Collection method: clinical testing. Allele origin: germline.

GeneDx
Classification: Uncertain significance. Last evaluated: 2022-11-14. Review status: criteria provided, single submitter. Criteria: GeneDx Variant Classification Process June 2021. Collection method: clinical testing. Allele origin: germline. Affected: yes.
Comment: Not observed at significant frequency in large population cohorts (gnomAD); In silico analysis supports that this missense variant does not alter protein structure/function; Has not been previously published as pathogenic or benign to our knowledge

NM_005883.3(APC2):c.4751G>A (p.Ser1584Asn)

Gene: APC2 (APC regulator of WNT signaling pathway 2; plus strand). Cytogenetic location: 19p13.3.
Variant type: single nucleotide variant.
Coding change: c.4751G>A on transcript NM_005883.3 (MANE Select); coding-DNA position 4751, G replaced by A.
Protein change: p.Ser1584Asn; replaces serine 1584 with asparagine.
Molecular consequence: missense variant.
Genome position (GRCh38, 1-based): chr19:1,468,052, G>A. VCF-style: chr19-1468052-G-A. GRCh37 (hg19) VCF-style: chr19-1468051-G-A.
Other names: c.4748G>A, p.Ser1583Asn (NM_001351273.1); short protein forms S1583N, S1584N.
Identifiers: ClinVar variation 1723666 (VCV001723666.4), dbSNP rs1281019144, ClinGen allele CA403037949.
Genomic context (GRCh38, chr19:1,468,052, plus strand): 5'-CCCAGCCCAGCCTCATTGCTGACGAGACCCCGCCCTGCTACTCCCTGAGCTCCTCCGCCA[G>A]CTCCCTCAGCGAGCCCGAGCCCTCGGAGCCGCCGGCCGTCCATCCACGAGGCCGGGAGCC-3'
Protein context (NP_005874.1, residues 1574-1594): PPCYSLSSSA[Ser1584Asn]SLSEPEPSEP